The following is an entry in ClinVar:

ClinVar aggregate classification (germline): Likely pathogenic (1 of 4 stars; one submission).

Submission:

GeneDx
Classification: Likely pathogenic. Last evaluated: 2024-09-10. Review status: criteria provided, single submitter. Criteria: GeneDx Variant Classification Process June 2021. Collection method: clinical testing. Allele origin: germline. Affected: yes.
Comment: Frameshift variant predicted to result in protein truncation or nonsense mediated decay in a gene for which loss of function is a known mechanism of disease; This variant is associated with the following publications: (PMID: 34003581)

NM_001212.4(C1QBP):c.118dup (p.Thr40fs)

Gene: C1QBP (complement C1q binding protein; minus strand). Cytogenetic location: 17p13.2.
Variant type: Duplication.
Coding change: c.118dup on transcript NM_001212.4 (MANE Select); coding-DNA position 118, one base duplicated (A; older notation c.118dupA).
Protein change: p.Thr40fs; shifts the reading frame from threonine 40.
Molecular consequence: frameshift variant.
Genome position (GRCh38, 1-based): chr17:5,438,956, T duplicated on the plus strand (A on the coding strand, the reverse complement: C1QBP is on the minus strand). VCF-style (leftmost placement, unchanged base first): chr17-5438955-G-GT. GRCh37 (hg19) VCF-style: chr17-5342275-G-GT.
Other names: short protein forms T40fs.
Identifiers: ClinVar variation 3767574 (VCV003767574.1).